The following is an entry in ClinVar:

NM_001399.5(EDA):c.319_322dup (p.Gln108fs)

Gene: EDA (ectodysplasin A; plus strand). Cytogenetic location: Xq13.1.
Variant type: Duplication.
Coding change: c.319_322dup on transcript NM_001399.5 (MANE Select); coding-DNA positions 319 to 322, 4 bases duplicated (GGGC; older notation c.319_322dupGGGC).
Protein change: p.Gln108fs; shifts the reading frame from glutamine 108.
Molecular consequence: frameshift variant.
Genome position (GRCh38, 1-based): chrX:69,616,627-69,616,630, GGGC duplicated. VCF-style (leftmost placement, unchanged base first): chrX-69616626-T-TGGGC. GRCh37 (hg19) VCF-style: chrX-68836470-T-TGGGC.
Other names: p.Gln108ArgfsX6; c.319_322dup, p.Gln108fs (NM_001005609.2, NM_001005610.4, NM_001005612.3 and 1 more transcripts); short protein forms Q108fs.
Identifiers: ClinVar variation 228336 (VCV000228336.4), dbSNP rs876657684, ClinGen allele CA10577174.

ClinVar aggregate classification (germline): Pathogenic (1 of 4 stars; one submission).

Conditions:
Hypohidrotic X-linked ectodermal dysplasia (XHED). Also called: ECTODERMAL DYSPLASIA, HYPOHIDROTIC, 1; CST SYNDROME; Anhidrotic ectodermal dysplasia X-linked; Christ Siemens Touraine syndrome; ECTODERMAL DYSPLASIA 1, HYPOHIDROTIC, X-LINKED; ECTODERMAL DYSPLASIA 1, HYPOHIDROTIC/HAIR/TOOTH TYPE, X-LINKED. Identifiers: Orphanet 181, Orphanet 238468, MedGen C0162359, MONDO:0010585, OMIM 305100.

Submission:

Laboratory for Molecular Medicine, Mass General Brigham Personalized Medicine
Classification: Pathogenic for Hypohidrotic X-linked ectodermal dysplasia. Last evaluated: 2015-03-25. Review status: criteria provided, single submitter. Criteria: LMM Criteria. Collection method: clinical testing. Allele origin: germline. Inheritance: X-linked inheritance. Observed: 2 variant alleles.
Comment: The p.Gln108fs variant in EDA has not been previously reported in individuals wi th clinical features of XLHED and was absent from large population studies. This variant is predicted to cause a frameshift, which alters the protein?s amino ac id sequence beginning at position 108 and leads to a premature termination codon 6 amino acids downstream. This alteration is then predicted to lead to a trunca ted or absent protein. Loss of function of the EDA gene is an established diseas e mechanism in individuals with XLHED. In summary, this variant meets our criter ia to be classified as pathogenic for XLHED in an X-linked manner.